The following is an entry in ClinVar:

NM_000051.4(ATM):c.8675T>C (p.Val2892Ala)

Genes: ATM (ATM serine/threonine kinase; plus strand), C11orf65 (chromosome 11 open reading frame 65; minus strand). Cytogenetic location: 11q22.3.
Variant type: single nucleotide variant.
Coding change: c.8675T>C on transcript NM_000051.4 (MANE Select); coding-DNA position 8675, T replaced by C.
Protein change: p.Val2892Ala; replaces valine 2892 with alanine.
Molecular consequence: missense variant. On other transcripts: intron variant (2).
Genome position (GRCh38, 1-based): chr11:108,353,769, T>C. VCF-style: chr11-108353769-T-C. GRCh37 (hg19) VCF-style: chr11-108224496-T-C.
Other names: c.8675T>C, p.Val2892Ala (NM_001351834.2); c.640+32151A>G (NM_001330368.2); c.695-18477A>G (NM_001351110.2); short protein forms V2892A.
Identifiers: ClinVar variation 662788 (VCV000662788.11), dbSNP rs1591306442, ClinGen allele CA382523462.

ClinVar aggregate classification (germline): Uncertain significance. Review status: criteria provided, multiple submitters, no conflicts (2 of 4 stars). 2 submissions from 2 submitters: Uncertain significance (2). Last evaluated 2025-09-22.

Conditions:
Hereditary cancer-predisposing syndrome. Also called: Tumor predisposition; Hereditary neoplastic syndrome; Neoplastic Syndromes, Hereditary; Hereditary Cancer Syndrome. Identifiers: Orphanet 140162, MedGen C0027672, MeSH D009386, MONDO:0015356.
Ataxia-telangiectasia syndrome (AT). Also called: Ataxia-telangiectasia, complementation group D; AT, COMPLEMENTATION GROUP C; ATAXIA-TELANGIECTASIA, COMPLEMENTATION GROUP A; ATAXIA-TELANGIECTASIA, FRESNO VARIANT; Ataxia-telangiectasia; LOUIS-BAR SYNDROME. Identifiers: Orphanet 100, MedGen C0004135, MONDO:0008840, OMIM 208900.

Allele frequency attached by ClinVar (database versions not stated): gnomAD exomes below 0.00001.
gnomAD v4.1: 1 of 1,608,218 alleles (0.000062%); highest among the groups gnomAD compares: Non-Finnish European, 0.000085%; no homozygotes.

Submissions (2):

Ambry Genetics
Classification: Uncertain significance for Hereditary cancer-predisposing syndrome. Last evaluated: 2025-09-22. Review status: criteria provided, single submitter. Criteria: Ambry Variant Classification Scheme 2023. Collection method: clinical testing. Allele origin: germline.
Comment: The p.V2892A variant (also known as c.8675T>C), located in coding exon 59 of the ATM gene, results from a T to C substitution at nucleotide position 8675. The valine at codon 2892 is replaced by alanine, an amino acid with similar properties. This amino acid position is conserved. In addition, this alteration is predicted to be deleterious by in silico analysis. Since supporting evidence is limited at this time, the clinical significance of this alteration remains unclear.

Labcorp Genetics (formerly Invitae), Labcorp
Classification: Uncertain significance for Ataxia-telangiectasia syndrome. Last evaluated: 2024-07-25. Review status: criteria provided, single submitter. Criteria: Invitae Variant Classification Sherloc (09022015). Collection method: clinical testing. Allele origin: germline.
Comment: This sequence change replaces valine, which is neutral and non-polar, with alanine, which is neutral and non-polar, at codon 2892 of the ATM protein (p.Val2892Ala). This variant is not present in population databases (gnomAD no frequency). This variant has not been reported in the literature in individuals affected with ATM-related conditions. ClinVar contains an entry for this variant (Variation ID: 662788). An algorithm developed to predict the effect of missense changes on protein structure and function (PolyPhen-2) suggests that this variant is likely to be disruptive. In summary, the available evidence is currently insufficient to determine the role of this variant in disease. Therefore, it has been classified as a Variant of Uncertain Significance.